The following is an entry in ClinVar:

NM_025074.7(FRAS1):c.7732A>G (p.Thr2578Ala)

Gene: FRAS1 (Fraser extracellular matrix complex subunit 1; plus strand). Cytogenetic location: 4q21.21.
Variant type: single nucleotide variant.
Coding change: c.7732A>G on transcript NM_025074.7 (MANE Select); coding-DNA position 7732, A replaced by G.
Protein change: p.Thr2578Ala; replaces threonine 2578 with alanine.
Molecular consequence: missense variant.
Genome position (GRCh38, 1-based): chr4:78,475,487, A>G. VCF-style: chr4-78475487-A-G. GRCh37 (hg19) VCF-style: chr4-79396641-A-G.
Other names: short protein forms T2578A.
Identifiers: ClinVar variation 4813479 (VCV004813479.1).
Genomic context (GRCh38, chr4:78,475,487, plus strand): 5'-TGTGCTTCCAGCTACAATGTCAGTGAGAAGGCAGGGTCTGTCAGTGTCACGGTGCAGAGG[A>G]CTGGGAACCTGAACCAATATGCCATCGTCCTGTGTCGCACCGAGCAAGGCACCGCCAGCT-3'
Protein context (NP_079350.5, residues 2568-2588): AGSVSVTVQR[Thr2578Ala]GNLNQYAIVL

ClinVar aggregate classification (germline): Uncertain significance (1 of 4 stars; one submission).

Conditions:
Fraser syndrome 1 (FRASRS1). Also called: CRYPTOPHTHALMOS WITH OTHER MALFORMATIONS. Identifiers: Orphanet 2052, MedGen C4551480, MONDO:0054737, OMIM 219000.

Submission:

MVZ Praenatalmedizin und Genetik Nuernberg
Classification: Uncertain significance for Fraser syndrome 1. Last evaluated: 2024-06-19. Review status: criteria provided, single submitter. Criteria: ACMG Guidelines, 2015. Collection method: clinical testing. Allele origin: germline.
Comment: It is located in exon 54 of the gene and leads to a substitution of the conserved amino acid threonine for alanine (p.(Thr2578Ala)). In silico predictions yield inconsistent results and do not allow for a tendency assessment (CADD 22.9, GERP 4.27, REVEL 0.068, MetaRNN 0.46896, Grantham 58).In summary, based on the current data, we consider this to be a variant of uncertain clinical significance (VUS).